The following is an entry in ClinVar:

NM_000245.4(MET):c.1391A>G (p.Gln464Arg)

Gene: MET (MET proto-oncogene, receptor tyrosine kinase; plus strand). Cytogenetic location: 7q31.2.
Variant type: single nucleotide variant.
Coding change: c.1391A>G on transcript NM_000245.4 (MANE Select); coding-DNA position 1391, A replaced by G.
Protein change: p.Gln464Arg; replaces glutamine 464 with arginine.
Molecular consequence: missense variant.
Genome position (GRCh38, 1-based): chr7:116,731,858, A>G. VCF-style: chr7-116731858-A-G. GRCh37 (hg19) VCF-style: chr7-116371912-A-G.
Other names: c.1391A>G, p.Gln464Arg (NM_001127500.3, NM_001324401.3); c.101A>G, p.Gln34Arg (NM_001324402.2); short protein forms Q34R, Q464R.
Identifiers: ClinVar variation 1317351 (VCV001317351.2), dbSNP rs1793022221, ClinGen allele CA368973170.

ClinVar aggregate classification (germline): Uncertain significance (1 of 4 stars; one submission).

Allele frequency attached by ClinVar (database versions not stated): TOPMed below 0.00001.

Submission:

GeneDx
Classification: Uncertain significance. Last evaluated: 2020-10-08. Review status: criteria provided, single submitter. Criteria: GeneDx Variant Classification Process June 2021. Collection method: clinical testing. Allele origin: germline. Affected: yes.
Comment: Not observed in large population cohorts (Lek 2016); In silico analysis supports that this missense variant has a deleterious effect on protein structure/function; Has not been previously published as pathogenic or benign to our knowledge